The following is an entry in ClinVar:

ClinVar aggregate classification (germline): Uncertain significance. Review status: criteria provided, multiple submitters, no conflicts (2 of 4 stars). 2 submissions from 2 submitters: Uncertain significance (2). Last evaluated 2024-08-19.

Conditions:
Renal cell carcinoma. Identifiers: Orphanet 217071, MedGen C0007134, MeSH D002292, MONDO:0005086, HP:0005584.

gnomAD v4.1: 1 of 1,612,886 alleles (0.000062%); highest among the groups gnomAD compares: South Asian, 0.0011%; no homozygotes.

Submissions (2):

Labcorp Genetics (formerly Invitae), Labcorp
Classification: Uncertain significance for Renal cell carcinoma. Last evaluated: 2024-08-19. Review status: criteria provided, single submitter. Criteria: Invitae Variant Classification Sherloc (09022015). Collection method: clinical testing. Allele origin: germline.
Comment: This sequence change affects codon 891 of the MET mRNA. It is a 'silent' change, meaning that it does not change the encoded amino acid sequence of the MET protein. This variant is not present in population databases (gnomAD no frequency). This variant has not been reported in the literature in individuals affected with MET-related conditions. Algorithms developed to predict the effect of sequence changes on RNA splicing suggest that this variant may create or strengthen a splice site. In summary, the available evidence is currently insufficient to determine the role of this variant in disease. Therefore, it has been classified as a Variant of Uncertain Significance.

Quest Diagnostics Nichols Institute San Juan Capistrano
Classification: Uncertain significance. Last evaluated: 2024-06-26. Review status: criteria provided, single submitter. Criteria: Quest Diagnostics criteria. Collection method: clinical testing. Allele origin: unknown.

NM_000245.4(MET):c.2619A>G (p.Glu873=)

Gene: MET (MET proto-oncogene, receptor tyrosine kinase; plus strand). Cytogenetic location: 7q31.2.
Variant type: single nucleotide variant.
Coding change: c.2619A>G on transcript NM_000245.4 (MANE Select); coding-DNA position 2619, A replaced by G.
Protein change: p.Glu873=; no amino-acid change (glutamic acid 873 retained).
Molecular consequence: synonymous variant.
Genome position (GRCh38, 1-based): chr7:116,769,680, A>G. VCF-style: chr7-116769680-A-G. GRCh37 (hg19) VCF-style: chr7-116409734-A-G.
Other names: c.2673A>G (NM_001127500.2); c.2673A>G, p.Glu891= (NM_001127500.3); c.2619A>G, p.Glu873= (NM_001324401.3); c.1329A>G, p.Glu443= (NM_001324402.2).
Identifiers: ClinVar variation 3021000 (VCV003021000.4), dbSNP rs2116983003, ClinGen allele CA457441719.
Genomic context (GRCh38, chr7:116,769,680, plus strand): 5'-CCTTTTTTTTTTTTTTTCCTTTCAGGGAAATGATATTGACCCTGAAGCAGTTAAAGGTGA[A>G]GTGTTAAAAGTTGGAAATAAGAGCTGTGAGAATATACACTTACATTCTGAAGCCGTTTTA-3'
Protein context (NP_000236.2, residues 863-883): NDIDPEAVKG[Glu873=]VLKVGNKSCE